The following is an entry in ClinVar:

ClinVar aggregate classification (germline): Likely benign (1 of 4 stars; one submission).

gnomAD v4.1: 1 of 1,602,536 alleles (0.000062%); highest among the groups gnomAD compares: Non-Finnish European, 0.000085%; no homozygotes.

Submission:

CeGaT Center for Human Genetics Tuebingen
Classification: Likely benign. Last evaluated: 2026-08-01. Review status: criteria provided, single submitter. Criteria: CeGaT Center For Human Genetics Tuebingen Variant Classification Criteria Version 2. Collection method: clinical testing. Allele origin: germline. Affected: yes. Observed: 1 variant allele.
Comment: DOLK: BP4, BP7

NM_014908.4(DOLK):c.366C>T (p.Ala122=)

Gene: DOLK (dolichol kinase; minus strand). Cytogenetic location: 9q34.11.
Variant type: single nucleotide variant.
Coding change: c.366C>T on transcript NM_014908.4 (MANE Select); coding-DNA position 366, C replaced by T.
Protein change: p.Ala122=; no amino-acid change (alanine 122 retained).
Molecular consequence: synonymous variant.
Genome position (GRCh38, 1-based): chr9:128,946,938, G>A on the plus strand (C>T on the coding strand, the complement: DOLK is on the minus strand). VCF-style: chr9-128946938-G-A. GRCh37 (hg19) VCF-style: chr9-131709217-G-A.
Identifiers: ClinVar variation 5039172 (VCV005039172.1).